The following is an entry in ClinVar:

ClinVar aggregate classification (germline): Uncertain significance (1 of 4 stars; one submission).

Conditions:
Alport syndrome 3b, autosomal recessive. Identifiers: MedGen C5882699, MONDO:0957811, OMIM 620536.

gnomAD v4.1: 2 of 1,610,086 alleles (0.00012%); highest among the groups gnomAD compares: East Asian, 0.0045%; no homozygotes.

Submission:

3billion
Classification: Uncertain significance for Alport syndrome 3b, autosomal recessive. Last evaluated: 2025-12-08. Review status: criteria provided, single submitter. Criteria: ACMG Guidelines, 2015. Collection method: clinical testing. Allele origin: germline. Affected: yes.
Comment: The variant is observed at an extremely low frequency in the gnomAD v4.1.0 dataset (total allele frequency: <0.001%). Predicted Consequence/Location: Intron variant In silico tools predict the variant to alter splicing and produce an abnormal transcript [SpliceAI: 0.13 (spliceogenicity >=0.2, non-spliceogenicity <0.1)]. Therefore, this variant is classified as VUS according to the recommendation of ACMG/AMP guideline.

NM_000091.5(COL4A3):c.1150+4T>C

Genes: COL4A3 (collagen type IV alpha 3 chain; plus strand), MFF-DT (MFF divergent transcript; minus strand). Cytogenetic location: 2q36.3.
Variant type: single nucleotide variant.
Coding change: c.1150+4T>C on transcript NM_000091.5 (MANE Select); 4 bases into the intron after coding-DNA position 1150, T replaced by C.
Molecular consequence: intron variant.
Genome position (GRCh38, 1-based): chr2:227,261,121, T>C. VCF-style: chr2-227261121-T-C. GRCh37 (hg19) VCF-style: chr2-228125837-T-C.
Identifiers: ClinVar variation 4854794 (VCV004854794.1).